The following is an entry in ClinVar:

ClinVar aggregate classification (germline): Uncertain significance (1 of 4 stars; one submission).

Conditions:
Inborn genetic diseases. Identifiers: MedGen C0950123, MeSH D030342.

gnomAD v4.1: 3 of 1,613,984 alleles (0.00019%); highest among the groups gnomAD compares: Non-Finnish European, 0.00025%; no homozygotes.

Submission:

Ambry Genetics
Classification: Uncertain significance for Inborn genetic diseases. Last evaluated: 2025-09-11. Review status: criteria provided, single submitter. Criteria: Ambry Variant Classification Scheme 2023. Collection method: clinical testing. Allele origin: germline.
Comment: The p.T199P variant (also known as c.595A>C), located in coding exon 5 of the USB1 gene, results from an A to C substitution at nucleotide position 595. The threonine at codon 199 is replaced by proline, an amino acid with highly similar properties. This amino acid position is conserved. In addition, this alteration is predicted to be tolerated by in silico analysis. Based on the available evidence, the clinical significance of this variant remains unclear.

NM_024598.4(USB1):c.595A>C (p.Thr199Pro)

Gene: USB1 (U6 snRNA biogenesis phosphodiesterase 1; plus strand). Cytogenetic location: 16q21.
Variant type: single nucleotide variant.
Coding change: c.595A>C on transcript NM_024598.4 (MANE Select); coding-DNA position 595, A replaced by C.
Protein change: p.Thr199Pro; replaces threonine 199 with proline.
Molecular consequence: missense variant.
Genome position (GRCh38, 1-based): chr16:58,017,425, A>C. VCF-style: chr16-58017425-A-C. GRCh37 (hg19) VCF-style: chr16-58051329-A-C.
Other names: c.541A>C, p.Thr181Pro (NM_001195302.2); c.442A>C, p.Thr148Pro (NM_001330568.2); short protein forms T148P, T199P, T181P.
Identifiers: ClinVar variation 4196830 (VCV004196830.1).